The following is an entry in ClinVar:

NM_032043.3(BRIP1):c.825T>G (p.Ile275Met)

Gene: BRIP1 (BRCA1 interacting DNA helicase 1; minus strand). Cytogenetic location: 17q23.2.
Variant type: single nucleotide variant.
Coding change: c.825T>G on transcript NM_032043.3 (MANE Select); coding-DNA position 825, T replaced by G.
Protein change: p.Ile275Met; replaces isoleucine 275 with methionine.
Molecular consequence: missense variant.
Genome position (GRCh38, 1-based): chr17:61,808,560, A>C on the plus strand (T>G on the coding strand, the complement: BRIP1 is on the minus strand). VCF-style: chr17-61808560-A-C. GRCh37 (hg19) VCF-style: chr17-59885921-A-C.
Other names: short protein forms I275M.
Identifiers: ClinVar variation 3993130 (VCV003993130.1).

ClinVar aggregate classification (germline): Uncertain significance (1 of 4 stars; one submission).

Conditions:
Hereditary cancer-predisposing syndrome. Also called: Tumor predisposition; Hereditary neoplastic syndrome; Neoplastic Syndromes, Hereditary; Hereditary Cancer Syndrome. Identifiers: Orphanet 140162, MedGen C0027672, MeSH D009386, MONDO:0015356.

Submission:

Ambry Genetics
Classification: Uncertain significance for Hereditary cancer-predisposing syndrome. Last evaluated: 2025-03-26. Review status: criteria provided, single submitter. Criteria: Ambry Variant Classification Scheme 2023. Collection method: clinical testing. Allele origin: germline.
Comment: The p.I275M variant (also known as c.825T>G), located in coding exon 6 of the BRIP1 gene, results from a T to G substitution at nucleotide position 825. The isoleucine at codon 275 is replaced by methionine, an amino acid with highly similar properties. This amino acid position is conserved. In addition, the in silico prediction for this alteration is inconclusive. Based on the available evidence, the clinical significance of this variant remains unclear.